The following is an entry in ClinVar:

NM_177438.3(DICER1):c.3422C>T (p.Ser1141Phe)

Gene: DICER1 (dicer 1, ribonuclease III; minus strand). Cytogenetic location: 14q32.13.
Variant type: single nucleotide variant.
Coding change: c.3422C>T on transcript NM_177438.3 (MANE Select); coding-DNA position 3422, C replaced by T.
Protein change: p.Ser1141Phe; replaces serine 1141 with phenylalanine.
Molecular consequence: missense variant.
Genome position (GRCh38, 1-based): chr14:95,103,974, G>A on the plus strand (C>T on the coding strand, the complement: DICER1 is on the minus strand). VCF-style: chr14-95103974-G-A. GRCh37 (hg19) VCF-style: chr14-95570311-G-A.
Other names: c.3422C>T, p.Ser1141Phe (NM_001195573.1, NM_001271282.3, NM_001291628.2 and 1 more transcripts); short protein forms S1141F.
Identifiers: ClinVar variation 412180 (VCV000412180.31), dbSNP rs780815020, ClinGen allele CA7331042.

ClinVar aggregate classification (germline): Conflicting classifications of pathogenicity. Review status: criteria provided, conflicting classifications (1 of 4 stars). 10 submissions from 10 submitters: Uncertain significance (6); Likely benign (4). Last evaluated 2026-09-15.

Conditions:
DICER1-related disorder. Also called: DICER1-related condition.
Global developmental delay - lung cysts - overgrowth - Wilms tumor syndrome. Also called: GLOBAL DEVELOPMENTAL DELAY, LUNG CYSTS, OVERGROWTH, AND WILMS TUMOR; GLOW Syndrome. Identifiers: Orphanet 404476, MedGen C4748924, MONDO:0018445, OMIM 618272.
DICER1-related tumor predisposition. Also called: DICER1 syndrome; DICER1-related pleuropulmonary blastoma cancer predisposition syndrome. Identifiers: Orphanet 284343, MedGen C3839822, MONDO:0100216.
Hereditary cancer-predisposing syndrome. Also called: Neoplastic Syndromes, Hereditary; Tumor predisposition; Hereditary Cancer Syndrome; Hereditary neoplastic syndrome. Identifiers: Orphanet 140162, MedGen C0027672, MeSH D009386, MONDO:0015356.
Pleuropulmonary blastoma (PPB). Identifiers: Orphanet 64742, MedGen C1266144, MONDO:0011014, OMIM 601200, HP:0100528.

Allele frequency attached by ClinVar (database versions not stated): ExAC 0.00002; gnomAD exomes 0.00002; gnomAD 0.00003 and 0.00004; TOPMed 0.00004.

Submissions (10):

PreventionGenetics, part of Exact Sciences
Classification: Likely benign for DICER1-related condition. Last evaluated: 2026-09-15. Review status: criteria provided, single submitter. Criteria: ACMG Guidelines, 2015. Collection method: clinical testing. Allele origin: germline.
Comment: This variant is classified as likely benign based on ACMG/AMP sequence variant interpretation guidelines (Richards et al. 2015 PMID: 25741868, with internal and published modifications).

Ambry Genetics
Classification: Likely benign for Hereditary cancer-predisposing syndrome. Last evaluated: 2026-05-26. Review status: criteria provided, single submitter. Criteria: Ambry Variant Classification Scheme 2023. Collection method: clinical testing. Allele origin: germline.

Labcorp Genetics (formerly Invitae), Labcorp
Classification: Likely benign for DICER1-related tumor predisposition. Last evaluated: 2026-01-28. Review status: criteria provided, single submitter. Criteria: Invitae Variant Classification Sherloc (09022015). Collection method: clinical testing. Allele origin: germline.

Quest Diagnostics Nichols Institute San Juan Capistrano
Classification: Uncertain significance. Last evaluated: 2025-06-20. Review status: criteria provided, single submitter. Criteria: Quest Diagnostics criteria. Collection method: clinical testing. Allele origin: unknown.
Comment: The DICER1 c.3422C>T (p.Ser1141Phe) variant has been reported in the published literature in individuals with pancreatic cancer (PMID: 39256447 (2024)), melanoma (PMID: 31417090 (2019)), and Cushing’s disease (PMID: 32714280 (2020)). The frequency of this variant in the general population (Genome Aggregation Database) is uninformative in the assessment of its pathogenicity. Analysis of this variant using bioinformatics tools for the prediction of the effect of amino acid changes on protein structure and function yielded predictions that this variant is benign. Based on the available information, we are unable to determine the clinical significance of this variant.

GeneDx
Classification: Uncertain significance. Last evaluated: 2024-07-24. Review status: criteria provided, single submitter. Criteria: GeneDx Variant Classification Process June 2021. Collection method: clinical testing. Allele origin: germline.
Comment: Not observed at significant frequency in large population cohorts (gnomAD); In silico analysis indicates that this missense variant does not alter protein structure/function; Observed in an individual with Cushing disease (PMID: 32714280); This variant is associated with the following publications: (PMID: 36149413, 32714280)

Blueprint Genetics
Classification: Uncertain significance. Last evaluated: 2024-06-26. Review status: criteria provided, single submitter. Criteria: ACMG Guidelines, 2015. Collection method: clinical testing. Allele origin: germline.

Baylor Genetics
Classification: Uncertain significance for Global developmental delay - lung cysts - overgrowth - Wilms tumor syndrome. Last evaluated: 2024-02-28. Review status: criteria provided, single submitter. Criteria: ACMG Guidelines, 2015. Collection method: clinical testing. Allele origin: unknown.

St. Jude Molecular Pathology, St. Jude Children's Research Hospital
Classification: Uncertain significance for Pleuropulmonary blastoma. Last evaluated: 2022-09-08. Review status: criteria provided, single submitter. Criteria: St. Jude Assertion Criteria 2020. Collection method: clinical testing. Allele origin: germline.
Comment: The DICER1 c.3422C>T (p.Ser1141Phe) missense change has a maximum subpopulation frequency of 0.0040% in gnomAD v2.1.1. The in silico tool REVEL predicts a benign effect on protein function and no splicing effects are predicted, but to our knowledge these predictions have not been confirmed by functional studies. This variant has been reported in an individual with a pituitary adenoma (corticotropinoma) and Cushing's disease (PMID: 32714280). In summary, the evidence currently available is insufficient to determine the clinical significance of this variant. It has therefore been classified as of uncertain significance.

Sema4
Classification: Uncertain significance for Hereditary cancer-predisposing syndrome. Last evaluated: 2021-05-10. Review status: criteria provided, single submitter. Criteria: Sema4 Curation Guidelines. Collection method: curation. Allele origin: germline.
Comment: The DICER1 c.3422C>T (p.S1141F) variant has been reported in at least one individual with a pituitary adenoma (corticotropinoma) and Cushing's disease (PMID: 32714280). It was observed in 1/24790 chromosomes of the African/African American subpopulation in the large and broad cohorts of the Genome Aggregation Database (PMID: 32461654). The variant has been reported in ClinVar (Variation ID 412180). In silico tools suggest the impact of the variant on protein function is inconclusive, though these predictions have not been confirmed by functional studies. The evidence is insufficient to meet ACMG/AMP criteria for classifying the variant as benign or pathogenic. Thus, the clinical significance of this variant is currently uncertain.

Illumina Laboratory Services, Illumina
Classification: Likely benign for Pleuropulmonary blastoma. Last evaluated: 2018-01-12. Review status: criteria provided, single submitter. Criteria: ICSL Variant Classification Criteria 13 December 2019. Collection method: clinical testing. Allele origin: germline.
Comment: This variant was observed in the ICSL laboratory as part of a predisposition screen in an ostensibly healthy population. It had not been previously curated by ICSL or reported in the Human Gene Mutation Database (HGMD: prior to June 1st, 2018), and was therefore a candidate for classification through an automated scoring system. Utilizing variant allele frequency, disease prevalence and penetrance estimates, and inheritance mode, an automated score was calculated to assess if this variant is too frequent to cause the disease. Based on the score and internal cut-off values, a variant classified as likely benign is not then subjected to further curation. The score for this variant resulted in a classification of likely benign for this disease.

Literature cited by the submitters: PubMed 39256447 (cited by Quest Diagnostics Nichols Institute San Juan Capistrano); PubMed 31417090 (cited by Quest Diagnostics Nichols Institute San Juan Capistrano); PubMed 32714280 (cited by Quest Diagnostics Nichols Institute San Juan Capistrano and Sema4).